The following is an entry in ClinVar:

ClinVar aggregate classification (germline): Pathogenic (1 of 4 stars; one submission).

Conditions:
Ullrich congenital muscular dystrophy 2 (UCMD2). Identifiers: Orphanet 75840, MedGen C4225314, MONDO:0014654, OMIM 616470.
Bethlem myopathy 2 (BTHLM2). Identifiers: Orphanet 536516, Orphanet 610, MedGen C4225313, MONDO:0034022, OMIM 616471.

Submission:

Labcorp Genetics (formerly Invitae), Labcorp
Classification: Pathogenic for Bethlem myopathy 2; Ullrich congenital muscular dystrophy 2. Last evaluated: 2021-10-18. Review status: criteria provided, single submitter. Criteria: Invitae Variant Classification Sherloc (09022015). Collection method: clinical testing. Allele origin: germline.
Comment: This sequence change creates a premature translational stop signal (p.Gln2246Leufs*22) in the COL12A1 gene. It is expected to result in an absent or disrupted protein product. Loss-of-function variants in COL12A1 are known to be pathogenic (PMID: 24334604, 28973083). This variant is not present in population databases (gnomAD no frequency). This variant has not been reported in the literature in individuals affected with COL12A1-related conditions. For these reasons, this variant has been classified as Pathogenic.

Literature cited by the submitters: PubMed 24334604; PubMed 28973083.

NM_004370.6(COL12A1):c.6737_6812del (p.Gln2246fs)

Gene: COL12A1 (collagen type XII alpha 1 chain; minus strand). Cytogenetic location: 6q13.
Variant type: Deletion.
Coding change: c.6737_6812del on transcript NM_004370.6 (MANE Select); coding-DNA positions 6737 to 6812, 76 bases deleted.
Protein change: p.Gln2246fs; shifts the reading frame from glutamine 2246.
Molecular consequence: frameshift variant.
Genome position (GRCh38, 1-based): chr6:75,124,007-75,124,082, 76 bases deleted. GRCh37 (hg19): chr6:75,833,725-75,833,800.
Other names: c.3245_3320del, p.Gln1082fs (NM_080645.3); short protein forms Q2246fs, Q1082fs.
Identifiers: ClinVar variation 1444852 (VCV001444852.6), dbSNP rs2149373593, ClinGen allele CA2573141224.